The following is an entry in ClinVar:

NM_000168.6(GLI3):c.*136T>A

Gene: GLI3 (GLI family zinc finger 3; minus strand). Cytogenetic location: 7p14.1.
Variant type: single nucleotide variant.
Coding change: c.*136T>A on transcript NM_000168.6 (MANE Select); 136 bases downstream of the stop codon, T replaced by A.
Molecular consequence: 3 prime UTR variant.
Genome position (GRCh38, 1-based): chr7:41,964,194, A>T on the plus strand (T>A on the coding strand, the complement: GLI3 is on the minus strand). VCF-style: chr7-41964194-A-T. GRCh37 (hg19) VCF-style: chr7-42003792-A-T.
Identifiers: ClinVar variation 360218 (VCV000360218.5), dbSNP rs78794712, ClinGen allele CA10629091.

ClinVar aggregate classification (germline): Benign. Review status: criteria provided, single submitter (1 of 4 stars). 3 submissions from 1 submitter: Benign (3). Last evaluated 2018-01-13.

Conditions:
Pallister-Hall syndrome (PHS). Also called: HYPOTHALAMIC HAMARTOBLASTOMA, HYPOPITUITARISM, IMPERFORATE ANUS, AND POSTAXIAL POLYDACTYLY; GLI3-Related Pallister-Hall Syndrome. Identifiers: Orphanet 672, MedGen C0265220, MONDO:0007804, OMIM 146510.
Greig cephalopolysyndactyly syndrome (GCPS). Also called: POLYSYNDACTYLY WITH PECULIAR SKULL SHAPE; Greig syndrome; GLI3-Related Greig Cephalopolysyndactyly Syndrome. Identifiers: Orphanet 380, MedGen C0265306, MONDO:0008287, OMIM 175700.
Polydactyly. Also called: polydactylism. Identifiers: MedGen C0152427, MONDO:0021003, OMIM 603596, HP:0010442.

Allele frequency attached by ClinVar (database versions not stated): 1000 Genomes Project 30x 0.01843; 1000 Genomes Project 0.01957; TOPMed 0.03263; gnomAD 0.03482 and 0.03493; gnomAD exomes 0.04331.
gnomAD v4.1: 28,711 of 694,166 alleles (4.1%); highest among the groups gnomAD compares: Non-Finnish European, 5.2%; 723 homozygotes.

Submissions (3):

Illumina Laboratory Services, Illumina
Classification: Benign for Polydactyly. Last evaluated: 2018-01-13. Review status: criteria provided, single submitter. Criteria: ICSL Variant Classification Criteria 13 December 2019. Collection method: clinical testing. Allele origin: germline.
Comment: This variant was observed in the ICSL laboratory as part of a predisposition screen in an ostensibly healthy population. It had not been previously curated by ICSL or reported in the Human Gene Mutation Database (HGMD: prior to June 1st, 2018), and was therefore a candidate for classification through an automated scoring system. Utilizing variant allele frequency, disease prevalence and penetrance estimates, and inheritance mode, an automated score was calculated to assess if this variant is too frequent to cause the disease. Based on the score and internal cut-off values, a variant classified as benign is not then subjected to further curation. The score for this variant resulted in a classification of benign for this disease.

Illumina Laboratory Services, Illumina
Classification: Benign for Greig cephalopolysyndactyly syndrome. Last evaluated: 2018-01-13. Review status: criteria provided, single submitter. Criteria: ICSL Variant Classification Criteria 13 December 2019. Collection method: clinical testing. Allele origin: germline.
Comment: the same text as in the submission from Illumina Laboratory Services, Illumina above.

Illumina Laboratory Services, Illumina
Classification: Benign for Pallister-Hall syndrome. Last evaluated: 2018-01-13. Review status: criteria provided, single submitter. Criteria: ICSL Variant Classification Criteria 13 December 2019. Collection method: clinical testing. Allele origin: germline.
Comment: the same text as in the submission from Illumina Laboratory Services, Illumina above.